The following is an entry in ClinVar:

ClinVar aggregate classification (germline): Uncertain significance (1 of 4 stars; one submission).

Conditions:
HSD17B4-related disorder. Also called: HSD17B4-related disorders; HSD17B4-related condition.

gnomAD v4.1: 21 of 1,422,908 alleles (0.0015%); highest among the groups gnomAD compares: Admixed American, 0.0024%; no homozygotes.

Submission:

PreventionGenetics, part of Exact Sciences
Classification: Uncertain significance for HSD17B4-related condition. Last evaluated: 2025-08-19. Review status: criteria provided, single submitter. Criteria: ACMG Guidelines, 2015. Collection method: clinical testing. Allele origin: germline.
Comment: The HSD17B4 c.140A>G variant is predicted to result in the amino acid substitution p.Asn47Ser. This variant is intronic in the main transcript NM_000414:c.113-2255A>G.To our knowledge, this variant has not been reported in the literature. This variant is reported in 0.0066% of alleles in individuals of Latino descent in gnomAD. At this time, the clinical significance of this variant is uncertain due to the absence of conclusive functional and genetic evidence.

NM_000414.4(HSD17B4):c.113-2255A>G

Gene: HSD17B4 (hydroxysteroid 17-beta dehydrogenase 4; plus strand). Cytogenetic location: 5q23.1.
Variant type: single nucleotide variant.
Coding change: c.113-2255A>G on transcript NM_000414.4 (MANE Select); 2255 bases into the intron before coding-DNA position 113, A replaced by G.
Molecular consequence: intron variant. On other transcripts: missense variant (1), 5 prime UTR variant (3).
Genome position (GRCh38, 1-based): chr5:119,471,653, A>G. VCF-style: chr5-119471653-A-G. GRCh37 (hg19) VCF-style: chr5-118807348-A-G.
Other names: c.140A>G, p.Asn47Ser (NM_001199291.3); c.-8A>G (NM_001292027.2); c.-216A>G (NM_001374499.1); c.-352A>G (NM_001374503.1); c.-304-2255A>G (NM_001374502.1); c.-426-2255A>G (NM_001374500.1); c.-299-2255A>G (NM_001374501.1, NM_001292028.2); c.113-2255A>G (NM_001374498.1, NM_001374497.1); and 1 more; short protein forms N47S.
Identifiers: ClinVar variation 4988564 (VCV004988564.1).
Genomic context (GRCh38, chr5:119,471,653, plus strand): 5'-CCATTATGCTATTTATTAATTAGTAACTTTTTTATTGTTACAGCTTTCAAAATCTATGCA[A>G]TAACCCTATGGAGAAGATCATTTCACAATGCAGATTCTTTGTTTCAAGTAATTCTCTTAA-3'